The following is an entry in ClinVar:

NM_007217.4(PDCD10):c.73_76dup (p.Met26fs)

Gene: PDCD10 (programmed cell death 10; minus strand). Cytogenetic location: 3q26.1.
Variant type: Duplication.
Coding change: c.73_76dup on transcript NM_007217.4 (MANE Select); coding-DNA positions 73 to 76, 4 bases duplicated (GTCA; older notation c.73_76dupGTCA).
Protein change: p.Met26fs; shifts the reading frame from methionine 26.
Molecular consequence: frameshift variant.
Genome position (GRCh38, 1-based): chr3:167,720,082-167,720,085, TGAC duplicated on the plus strand (GTCA on the coding strand, the reverse complement: PDCD10 is on the minus strand); duplicating any 4 consecutive bases within chr3:167,720,082-167,720,087 gives the same sequence; the c. name uses the placement nearest the transcript's 3' end. VCF-style (leftmost placement, unchanged base first): chr3-167720081-A-ATGAC. GRCh37 (hg19) VCF-style: chr3-167437869-A-ATGAC.
Other names: c.73_76dup, p.Met26fs (NM_145859.2, NM_145860.2); short protein forms M26fs.
Identifiers: ClinVar variation 2692462 (VCV002692462.1), dbSNP rs2475935599, ClinGen allele CA2697556975.
Genomic context (GRCh38, chr3:167,720,081, plus strand): 5'-GAATTGCAGAGTTCATGCAAGAACATGTTTACCCAACTCACCTCATTAAACACAGGATAC[A>ATGAC]TGACTGCATAGAGGGGCATAGAAACCATGGATGTGGTCTCAGCTTCATTCTTCATCTCTT-3'

ClinVar aggregate classification (germline): Likely pathogenic (1 of 4 stars; one submission).

Conditions:
Cerebral cavernous malformation 3. Also called: Familial Cerebral Cavernous Malformation 3. Identifiers: Orphanet 221061, MedGen C1864040, MONDO:0011305, OMIM 603285.

Submission:

Greenwood Genetic Center Diagnostic Laboratories, Greenwood Genetic Center
Classification: Likely pathogenic for Cerebral cavernous malformation 3. Last evaluated: 2023-10-04. Review status: criteria provided, single submitter. Criteria: ACMG Guidelines, 2015. Collection method: clinical testing. Allele origin: germline. Affected: yes.
Comment: PVS1, PM2